The following is an entry in ClinVar:

NM_003482.4(KMT2D):c.15607A>G (p.Thr5203Ala)

Gene: KMT2D (lysine methyltransferase 2D; minus strand). Cytogenetic location: 12q13.12.
Variant type: single nucleotide variant.
Coding change: c.15607A>G on transcript NM_003482.4 (MANE Select); coding-DNA position 15607, A replaced by G.
Protein change: p.Thr5203Ala; replaces threonine 5203 with alanine.
Molecular consequence: missense variant.
Genome position (GRCh38, 1-based): chr12:49,026,359, T>C on the plus strand (A>G on the coding strand, the complement: KMT2D is on the minus strand). VCF-style: chr12-49026359-T-C. GRCh37 (hg19) VCF-style: chr12-49420142-T-C.
Other names: short protein forms T5203A.
Identifiers: ClinVar variation 3617651 (VCV003617651.2).

ClinVar aggregate classification (germline): Uncertain significance (1 of 4 stars; one submission).

Conditions:
Kabuki syndrome. Also called: NIIKAWA-KUROKI SYNDROME; Kabuki make-up syndrome. Identifiers: Orphanet 2322, MedGen C0796004, MONDO:0016512.

gnomAD v4.1: 4 of 1,612,582 alleles (0.00025%); highest among the groups gnomAD compares: East Asian, 0.0022%; no homozygotes.

Submission:

Labcorp Genetics (formerly Invitae), Labcorp
Classification: Uncertain significance for Kabuki syndrome. Last evaluated: 2025-03-10. Review status: criteria provided, single submitter. Criteria: Invitae Variant Classification Sherloc (09022015). Collection method: clinical testing. Allele origin: germline.
Comment: This sequence change replaces threonine, which is neutral and polar, with alanine, which is neutral and non-polar, at codon 5203 of the KMT2D protein (p.Thr5203Ala). This variant is not present in population databases (gnomAD no frequency). This variant has not been reported in the literature in individuals affected with KMT2D-related conditions. Invitae Evidence Modeling of protein sequence and biophysical properties (such as structural, functional, and spatial information, amino acid conservation, physicochemical variation, residue mobility, and thermodynamic stability) indicates that this missense variant is not expected to disrupt KMT2D protein function with a negative predictive value of 95%. In summary, the available evidence is currently insufficient to determine the role of this variant in disease. Therefore, it has been classified as a Variant of Uncertain Significance.